The following is an entry in ClinVar:

ClinVar aggregate classification (germline): Uncertain significance (1 of 4 stars; one submission).

Conditions:
Spastic paraplegia. Identifiers: MedGen C0037772, HP:0001258.

Allele frequency attached by ClinVar (database versions not stated): ExAC 0.00001; TOPMed 0.00001.
gnomAD v4.1: 30 of 1,613,864 alleles (0.0019%); highest among the groups gnomAD compares: Non-Finnish European, 0.0018%; no homozygotes.

Submission:

Labcorp Genetics (formerly Invitae), Labcorp
Classification: Uncertain significance for Spastic paraplegia. Last evaluated: 2022-03-04. Review status: criteria provided, single submitter. Criteria: Invitae Variant Classification Sherloc (09022015). Collection method: clinical testing. Allele origin: germline.
Comment: This sequence change replaces methionine, which is neutral and non-polar, with valine, which is neutral and non-polar, at codon 424 of the CYP2U1 protein (p.Met424Val). This variant is present in population databases (rs747260582, gnomAD 0.01%). This variant has not been reported in the literature in individuals affected with CYP2U1-related conditions. Advanced modeling of protein sequence and biophysical properties (such as structural, functional, and spatial information, amino acid conservation, physicochemical variation, residue mobility, and thermodynamic stability) performed at Invitae indicates that this missense variant is not expected to disrupt CYP2U1 protein function. In summary, the available evidence is currently insufficient to determine the role of this variant in disease. Therefore, it has been classified as a Variant of Uncertain Significance.

NM_183075.3(CYP2U1):c.1270A>G (p.Met424Val)

Gene: CYP2U1 (cytochrome P450 family 2 subfamily U member 1; plus strand). Cytogenetic location: 4q25.
Variant type: single nucleotide variant.
Coding change: c.1270A>G on transcript NM_183075.3 (MANE Select); coding-DNA position 1270, A replaced by G.
Protein change: p.Met424Val; replaces methionine 424 with valine.
Molecular consequence: missense variant.
Genome position (GRCh38, 1-based): chr4:107,947,519, A>G. VCF-style: chr4-107947519-A-G. GRCh37 (hg19) VCF-style: chr4-108868675-A-G.
Other names: short protein forms M424V.
Identifiers: ClinVar variation 2054716 (VCV002054716.4), dbSNP rs747260582, ClinGen allele CA3037160.